The following is an entry in ClinVar:

NM_001354604.2(MITF):c.864A>G (p.Ile288Met)

Gene: MITF (melanocyte inducing transcription factor; plus strand). Cytogenetic location: 3p13.
Variant type: single nucleotide variant.
Coding change: c.864A>G on transcript NM_001354604.2 (MANE Select); coding-DNA position 864, A replaced by G.
Protein change: p.Ile288Met; replaces isoleucine 288 with methionine.
Molecular consequence: missense variant.
Genome position (GRCh38, 1-based): chr3:69,949,152, A>G. VCF-style: chr3-69949152-A-G. GRCh37 (hg19) VCF-style: chr3-69998303-A-G.
Other names: c.543A>G, p.Ile181Met (NM_000248.4, NM_198158.3); c.708A>G, p.Ile236Met (NM_001184967.2, NM_001354608.2); c.861A>G, p.Ile287Met (NM_001354605.2, NM_001354606.2, NM_006722.3); c.813A>G, p.Ile271Met (NM_001354607.2); c.864A>G, p.Ile288Met (NM_198159.3); c.816A>G, p.Ile272Met (NM_198177.3); c.375A>G, p.Ile125Met (NM_198178.3); short protein forms I125M, I181M, I236M, I271M, I272M, I287M, I288M.
Identifiers: ClinVar variation 4108300 (VCV004108300.1).

ClinVar aggregate classification (germline): Uncertain significance (1 of 4 stars; one submission).

Conditions:
Hereditary cancer-predisposing syndrome. Also called: Tumor predisposition; Neoplastic Syndromes, Hereditary; Hereditary neoplastic syndrome; Hereditary Cancer Syndrome. Identifiers: Orphanet 140162, MedGen C0027672, MeSH D009386, MONDO:0015356.

Submission:

Ambry Genetics
Classification: Uncertain significance for Hereditary cancer-predisposing syndrome. Last evaluated: 2025-08-04. Review status: criteria provided, single submitter. Criteria: Ambry Variant Classification Scheme 2023. Collection method: clinical testing. Allele origin: germline.
Comment: The p.I181M variant (also known as c.543A>G), located in coding exon 5 of the MITF gene, results from an A to G substitution at nucleotide position 543. The isoleucine at codon 181 is replaced by methionine, an amino acid with highly similar properties. This amino acid position is conserved. In addition, this alteration is predicted to be tolerated by in silico analysis. Based on the available evidence, the clinical significance of this variant remains unclear.